The following is an entry in ClinVar:

NM_000062.3(SERPING1):c.1369G>T (p.Ala457Ser)

Gene: SERPING1 (serpin family G member 1; plus strand). Cytogenetic location: 11q12.1.
Variant type: single nucleotide variant.
Coding change: c.1369G>T on transcript NM_000062.3 (MANE Select); coding-DNA position 1369, G replaced by T.
Protein change: p.Ala457Ser; replaces alanine 457 with serine.
Molecular consequence: missense variant.
Genome position (GRCh38, 1-based): chr11:57,614,447, G>T. VCF-style: chr11-57614447-G-T. GRCh37 (hg19) VCF-style: chr11-57381920-G-T.
Other names: c.1369G>T, p.Ala457Ser (NM_001032295.2); short protein forms A457S.
Identifiers: ClinVar variation 1511723 (VCV001511723.8), dbSNP rs2135328029, ClinGen allele CA380690692.

ClinVar aggregate classification (germline): Uncertain significance (1 of 4 stars; one submission).

Submission:

Labcorp Genetics (formerly Invitae), Labcorp
Classification: Uncertain significance. Last evaluated: 2024-02-17. Review status: criteria provided, single submitter. Criteria: Invitae Variant Classification Sherloc (09022015). Collection method: clinical testing. Allele origin: germline.
Comment: This sequence change replaces alanine, which is neutral and non-polar, with serine, which is neutral and polar, at codon 457 of the SERPING1 protein (p.Ala457Ser). This variant is not present in population databases (gnomAD no frequency). This variant has not been reported in the literature in individuals affected with SERPING1-related conditions. ClinVar contains an entry for this variant (Variation ID: 1511723). Advanced modeling of protein sequence and biophysical properties (such as structural, functional, and spatial information, amino acid conservation, physicochemical variation, residue mobility, and thermodynamic stability) performed at Invitae indicates that this missense variant is expected to disrupt SERPING1 protein function with a positive predictive value of 80%. In summary, the available evidence is currently insufficient to determine the role of this variant in disease. Therefore, it has been classified as a Variant of Uncertain Significance.